The following is an entry in ClinVar:

ClinVar aggregate classification (germline): Conflicting classifications of pathogenicity. Review status: criteria provided, conflicting classifications (1 of 4 stars). 2 submissions from 2 submitters: Uncertain significance (1); Likely benign (1). Last evaluated 2024-07-01.

Conditions:
Autosomal recessive limb-girdle muscular dystrophy type 2J (LGMDR10). Also called: Limb-girdle muscular dystrophy, type 2J; MUSCULAR DYSTROPHY, LIMB-GIRDLE, AUTOSOMAL RECESSIVE 10. Identifiers: Orphanet 140922, MedGen C1837342, MONDO:0012127, OMIM 608807.
Dilated cardiomyopathy 1G (CMD1G). Identifiers: Orphanet 154, MedGen C1858763, MONDO:0011400, OMIM 604145.

Allele frequency attached by ClinVar (database versions not stated): gnomAD exomes 0.00001.
gnomAD v4.1: 3 of 1,567,098 alleles (0.00019%); highest among the groups gnomAD compares: South Asian, 0.0012%; no homozygotes.

Submissions (2):

Women's Health and Genetics/Laboratory Corporation of America, LabCorp
Classification: Uncertain significance. Last evaluated: 2024-07-01. Review status: criteria provided, single submitter. Criteria: LabCorp Variant Classification Summary - May 2015. Collection method: clinical testing. Allele origin: germline.
Comment: Variant summary: TTN c.32409A>G (p.Val10803Val) alters a non-conserved nucleotide located close to a canonical splice site and therefore could affect mRNA splicing, leading to a significantly altered protein sequence. Consensus agreement among computation tools predict no significant impact on normal splicing. However, these predictions have yet to be confirmed by functional studies. The variant was absent in 182958 control chromosomes. The available data on variant occurrences in the general population are insufficient to allow any conclusion about variant significance. To our knowledge, no occurrence of c.32409A>G in individuals affected with Limb-Girdle Muscular Dystrophy, Type 2J and no experimental evidence demonstrating its impact on protein function have been reported. ClinVar contains an entry for this variant (Variation ID: 2932446). Based on the evidence outlined above, the variant was classified as uncertain significance.

Labcorp Genetics (formerly Invitae), Labcorp
Classification: Likely benign for Dilated cardiomyopathy 1G; Autosomal recessive limb-girdle muscular dystrophy type 2J. Last evaluated: 2023-08-05. Review status: criteria provided, single submitter. Criteria: Invitae Variant Classification Sherloc (09022015). Collection method: clinical testing. Allele origin: germline.

NM_001267550.2(TTN):c.39711A>G (p.Val13237=)

Gene: TTN (titin; minus strand). Cytogenetic location: 2q31.2.
Variant type: single nucleotide variant.
Coding change: c.39711A>G on transcript NM_001267550.2 (MANE Select); coding-DNA position 39711, A replaced by G.
Protein change: p.Val13237=; no amino-acid change (valine 13237 retained).
Molecular consequence: synonymous variant. On other transcripts: intron variant (3).
Genome position (GRCh38, 1-based): chr2:178,650,270, T>C on the plus strand (A>G on the coding strand, the complement: TTN is on the minus strand). VCF-style: chr2-178650270-T-C. GRCh37 (hg19) VCF-style: chr2-179514997-T-C.
Other names: c.35190A>G, p.Val11730= (NM_001256850.1); c.32409A>G, p.Val10803= (NM_133378.4); c.13283-7953A>G (NM_003319.4); c.13859-7953A>G (NM_133437.4); c.13658-7953A>G (NM_133432.3).
Identifiers: ClinVar variation 2932446 (VCV002932446.4), dbSNP rs2472288529, ClinGen allele CA430104979.